The following is an entry in ClinVar:

NM_004924.6(ACTN4):c.2701T>C (p.Phe901Leu)

Gene: ACTN4 (actinin alpha 4; plus strand). Cytogenetic location: 19q13.2.
Variant type: single nucleotide variant.
Coding change: c.2701T>C on transcript NM_004924.6 (MANE Select); coding-DNA position 2701, T replaced by C.
Protein change: p.Phe901Leu; replaces phenylalanine 901 with leucine.
Molecular consequence: missense variant.
Genome position (GRCh38, 1-based): chr19:38,729,397, T>C. VCF-style: chr19-38729397-T-C. GRCh37 (hg19) VCF-style: chr19-39220037-T-C.
Other names: c.2686T>C, p.Phe896Leu (NM_001322033.2); short protein forms F896L, F901L.
Identifiers: ClinVar variation 1007623 (VCV001007623.8), dbSNP rs1969394542, ClinGen allele CA405707202.
Genomic context (GRCh38, chr19:38,729,397, plus strand): 5'-GCCCGCATGGCGCCATACCAGGGCCCTGACGCCGTGCCCGGTGCCCTCGACTACAAGTCC[T>C]TCTCCACGGCCTTGTATGGCGAGAGCGACCTGTGAGGCCCCAGAGACCTGACCCAACACC-3'
Protein context (NP_004915.2, residues 891-911): AVPGALDYKS[Phe901Leu]STALYGESDL

ClinVar aggregate classification (germline): Uncertain significance (1 of 4 stars; one submission).

Submission:

Labcorp Genetics (formerly Invitae), Labcorp
Classification: Uncertain significance. Last evaluated: 2024-07-17. Review status: criteria provided, single submitter. Criteria: Invitae Variant Classification Sherloc (09022015). Collection method: clinical testing. Allele origin: germline.
Comment: This sequence change replaces phenylalanine, which is neutral and non-polar, with leucine, which is neutral and non-polar, at codon 901 of the ACTN4 protein (p.Phe901Leu). This variant is not present in population databases (gnomAD no frequency). This variant has not been reported in the literature in individuals affected with ACTN4-related conditions. ClinVar contains an entry for this variant (Variation ID: 1007623). An algorithm developed to predict the effect of missense changes on protein structure and function (PolyPhen-2) suggests that this variant is likely to be disruptive. In summary, the available evidence is currently insufficient to determine the role of this variant in disease. Therefore, it has been classified as a Variant of Uncertain Significance.